The following is an entry in ClinVar:

ClinVar aggregate classification (germline): Pathogenic. Review status: criteria provided, multiple submitters, no conflicts (2 of 4 stars). 2 submissions from 2 submitters: Pathogenic (2). Last evaluated 2025-01-15.

Conditions:
Idiopathic basal ganglia calcification 1 (PFBC1A). Also called: PRIMARY FAMILIAL BRAIN CALCIFICATION 1A, AUTOSOMAL DOMINANT; Fahr's syndrome; Familial Idiopathic Basal Ganglia Calcification 3; Primary Familial Brain Calcification; Familial Idiopathic Basal Ganglia Calcification 2; Cerebral calcification nonarteriosclerotic idiopathic adult-onset. Identifiers: Orphanet 1980, MedGen C4551624, MONDO:0024538, OMIM 213600.

Submissions (2):

Labcorp Genetics (formerly Invitae), Labcorp
Classification: Pathogenic. Last evaluated: 2025-01-15. Review status: criteria provided, single submitter. Criteria: Invitae Variant Classification Sherloc (09022015). Collection method: clinical testing. Allele origin: germline.
Comment: This sequence change affects an acceptor splice site in intron 7 of the SLC20A2 gene. It is expected to disrupt RNA splicing. Variants that disrupt the donor or acceptor splice site typically lead to a loss of protein function (PMID: 16199547), and loss-of-function variants in SLC20A2 are known to be pathogenic (PMID: 23334463). This variant is not present in population databases (gnomAD no frequency). Disruption of this splice site has been observed in individuals with basal ganglia calcification (PMID: 23939468; internal data). ClinVar contains an entry for this variant (Variation ID: 636249). Algorithms developed to predict the effect of sequence changes on RNA splicing suggest that this variant may disrupt the consensus splice site. For these reasons, this variant has been classified as Pathogenic.

Undiagnosed Diseases Network, NIH
Classification: Pathogenic for Idiopathic basal ganglia calcification 1. Last evaluated: 2018-12-17. Review status: criteria provided, single submitter. Criteria: ACMG Guidelines, 2015. Collection method: clinical testing. Allele origin: maternal. Inheritance: Autosomal dominant inheritance. Affected: yes. Observed: 1 variant allele, 1 heterozygote.

Literature cited by the submitters: PubMed 16199547 (cited by Labcorp Genetics (formerly Invitae), Labcorp); PubMed 23334463 (cited by Labcorp Genetics (formerly Invitae), Labcorp); PubMed 23939468 (cited by Labcorp Genetics (formerly Invitae), Labcorp).

NM_001257180.2(SLC20A2):c.935-2A>G

Gene: SLC20A2 (solute carrier family 20 member 2; minus strand). Cytogenetic location: 8p11.21.
Variant type: single nucleotide variant.
Coding change: c.935-2A>G on transcript NM_001257180.2 (MANE Select); the canonical splice acceptor site of the intron before coding-DNA position 935, A replaced by G.
Molecular consequence: splice acceptor variant.
Genome position (GRCh38, 1-based): chr8:42,437,579, T>C on the plus strand (A>G on the coding strand, the complement: SLC20A2 is on the minus strand). VCF-style: chr8-42437579-T-C. GRCh37 (hg19) VCF-style: chr8-42295097-T-C.
Other names: c.935-2A>G (NM_006749.5, NM_001257181.2).
Identifiers: ClinVar variation 636249 (VCV000636249.6), dbSNP rs1586025869, ClinGen allele CA371097774.